The following is an entry in ClinVar:

NM_002691.4(POLD1):c.731_737del (p.Tyr244fs)

Gene: POLD1 (DNA polymerase delta 1, catalytic subunit; plus strand). Cytogenetic location: 19q13.33.
Variant type: Deletion.
Coding change: c.731_737del on transcript NM_002691.4 (MANE Select); coding-DNA positions 731 to 737, 7 bases deleted (ACGAGGC; older notation c.731_737delACGAGGC).
Protein change: p.Tyr244fs; shifts the reading frame from tyrosine 244.
Molecular consequence: frameshift variant. On other transcripts: non-coding transcript variant (1).
Genome position (GRCh38, 1-based): chr19:50,402,346-50,402,352, ACGAGGC deleted. VCF-style (leftmost placement, unchanged base first): chr19-50402345-TACGAGGC-T. GRCh37 (hg19) VCF-style: chr19-50905602-TACGAGGC-T.
Other names: c.731_737del, p.Tyr244fs (NM_001256849.1, NM_001308632.1, NM_001438210.1 and 3 more transcripts); short protein forms Y244fs.
Identifiers: ClinVar variation 4141024 (VCV004141024.1).

ClinVar aggregate classification (germline): Uncertain significance (1 of 4 stars; one submission).

Conditions:
Hereditary cancer-predisposing syndrome. Also called: Hereditary neoplastic syndrome; Neoplastic Syndromes, Hereditary; Tumor predisposition; Hereditary Cancer Syndrome. Identifiers: Orphanet 140162, MedGen C0027672, MeSH D009386, MONDO:0015356.

Submission:

Ambry Genetics
Classification: Uncertain significance for Hereditary cancer-predisposing syndrome. Last evaluated: 2025-09-02. Review status: criteria provided, single submitter. Criteria: Ambry Variant Classification Scheme 2023. Collection method: clinical testing. Allele origin: germline.
Comment: The c.731_737delACGAGGC variant, located in coding exon 5 of the POLD1 gene, results from a deletion of 7 nucleotides at nucleotide positions 731 to 737, causing a translational frameshift with a predicted alternate stop codon (p.Y244Sfs*30). This alteration is expected to result in loss of function by premature protein truncation or nonsense-mediated mRNA decay. However, loss of function of POLD1 has not been established as a mechanism of disease. Based on the available evidence, the clinical significance of this variant remains unclear.